The following is an entry in ClinVar:

NM_182925.5(FLT4):c.2104G>T (p.Ala702Ser)

Gene: FLT4 (fms related receptor tyrosine kinase 4; minus strand). Cytogenetic location: 5q35.3.
Variant type: single nucleotide variant.
Coding change: c.2104G>T on transcript NM_182925.5 (MANE Select); coding-DNA position 2104, G replaced by T.
Protein change: p.Ala702Ser; replaces alanine 702 with serine.
Molecular consequence: missense variant.
Genome position (GRCh38, 1-based): chr5:180,621,169, C>A on the plus strand (G>T on the coding strand, the complement: FLT4 is on the minus strand). VCF-style: chr5-180621169-C-A. GRCh37 (hg19) VCF-style: chr5-180048169-C-A.
Other names: c.2104G>T, p.Ala702Ser (NM_001354989.2, NM_002020.5); c.2104G>T (NM_002020.4); short protein forms A702S.
Identifiers: ClinVar variation 802188 (VCV000802188.3), dbSNP rs746659265, ClinGen allele CA133214528.

ClinVar aggregate classification (germline): Uncertain significance. Review status: criteria provided, multiple submitters, no conflicts (2 of 4 stars). 3 submissions from 3 submitters: Uncertain significance (3). Last evaluated 2025-03-08.

Conditions:
Inborn genetic diseases. Identifiers: MedGen C0950123, MeSH D030342.
Hereditary lymphedema type I (LMPHM1). Also called: Milroy Disease; Nonne-Milroy disease; Congenital hereditary lymphedema; Early onset lymphedema; Hereditary lymphedema 1; Primary congenital lymphedema. Identifiers: Orphanet 79452, MedGen C1704423, MONDO:0007919, OMIM 153100.
Carcinoma of colon (CRC). Also called: Colonic carcinoma; Colon carcinoma. Identifiers: MedGen C0699790, MONDO:0002032.

Allele frequency attached by ClinVar (database versions not stated): gnomAD exomes 0.00001 and 0.00004; gnomAD 0.00002 and 0.00003; TOPMed 0.00005.
gnomAD v4.1: 27 of 1,612,728 alleles (0.0017%); highest among the groups gnomAD compares: Admixed American, 0.018%; no homozygotes.

Submissions (3):

Ambry Genetics
Classification: Uncertain significance for Inborn genetic diseases. Last evaluated: 2025-03-08. Review status: criteria provided, single submitter. Criteria: Ambry Variant Classification Scheme 2023. Collection method: clinical testing. Allele origin: germline.

Clinical Genomics Laboratory, Washington University in St. Louis
Classification: Uncertain significance for Hereditary lymphedema type I. Last evaluated: 2025-01-23. Review status: criteria provided, single submitter. Criteria: ACMG Guidelines, 2015. Collection method: clinical testing. Allele origin: germline.
Comment: A FLT4 c.2104G>T (p.Ala702Ser) variant was identified at a heterozygous allelic fraction of 50.6%, a frequency which may be consistent with it being of germline origin. This variant, to our knowledge, has not been reported in the medical literature. This variant has been reported as a germline variant of uncertain significance by one submitter in the ClinVar database (Variation ID: 802188). This variant is observed on 27/1,612,728 alleles in the general population (gnomAD v4.1.0). Computational predictors suggest that the variant does not impact FLT4 function. Due to limited information, and based on ACMG/AMP guidelines for variant interpretation (Richards S et al., PMID: 25741868), the clinical significance of the FLT4 c.2104G>T (p.Ala702Ser) variant is uncertain at this time.

Mendelics
Classification: Uncertain significance for Colorectal cancer. Last evaluated: 2019-05-28. Review status: criteria provided, single submitter. Criteria: Mendelics Assertion Criteria 2017. Collection method: clinical testing. Allele origin: unknown.